The following is an entry in ClinVar:

NM_024496.4(IRF2BPL):c.1219G>T (p.Ala407Ser)

Gene: IRF2BPL (interferon regulatory factor 2 binding protein like; minus strand). Cytogenetic location: 14q24.3.
Variant type: single nucleotide variant.
Coding change: c.1219G>T on transcript NM_024496.4 (MANE Select); coding-DNA position 1219, G replaced by T.
Protein change: p.Ala407Ser; replaces alanine 407 with serine.
Molecular consequence: missense variant.
Genome position (GRCh38, 1-based): chr14:77,026,574, C>A on the plus strand (G>T on the coding strand, the complement: IRF2BPL is on the minus strand). VCF-style: chr14-77026574-C-A. GRCh37 (hg19) VCF-style: chr14-77492917-C-A.
Other names: short protein forms A407S.
Identifiers: ClinVar variation 4988248 (VCV004988248.1).

ClinVar aggregate classification (germline): Uncertain significance (1 of 4 stars; one submission).

Conditions:
IRF2BPL-related disorder. Also called: IRF2BPL-related condition. Identifiers: MedGen CN381093.

Submission:

PreventionGenetics, part of Exact Sciences
Classification: Uncertain significance for IRF2BPL-related condition. Last evaluated: 2025-05-26. Review status: criteria provided, single submitter. Criteria: ACMG Guidelines, 2015. Collection method: clinical testing. Allele origin: germline.
Comment: The IRF2BPL c.1219G>T variant is predicted to result in the amino acid substitution p.Ala407Ser. To our knowledge, this variant has not been reported in the literature or in a large population database (gnomAD), indicating this variant is rare. At this time, the clinical significance of this variant is uncertain due to the absence of conclusive functional and genetic evidence.